The following is an entry in ClinVar:

ClinVar aggregate classification (germline): Uncertain significance (1 of 4 stars; one submission).

Allele frequency attached by ClinVar (database versions not stated): gnomAD exomes 0.00002; ExAC 0.00004; gnomAD 0.00005; 1000 Genomes Project 30x 0.00016; 1000 Genomes Project 0.00020; TOPMed 0.00005; ESP Exome Variant Server 0.00008.

Submission:

Labcorp Genetics (formerly Invitae), Labcorp
Classification: Uncertain significance. Last evaluated: 2022-08-19. Review status: criteria provided, single submitter. Criteria: Invitae Variant Classification Sherloc (09022015). Collection method: clinical testing. Allele origin: germline.
Comment: This sequence change replaces arginine, which is basic and polar, with glutamine, which is neutral and polar, at codon 241 of the PLOD3 protein (p.Arg241Gln). The frequency data for this variant in the population databases is considered unreliable, as metrics indicate poor data quality at this position in the gnomAD database. This variant has not been reported in the literature in individuals affected with PLOD3-related conditions. Algorithms developed to predict the effect of missense changes on protein structure and function (SIFT, PolyPhen-2, Align-GVGD) all suggest that this variant is likely to be tolerated. In summary, the available evidence is currently insufficient to determine the role of this variant in disease. Therefore, it has been classified as a Variant of Uncertain Significance.

NM_001084.5(PLOD3):c.722G>A (p.Arg241Gln)

Gene: PLOD3 (procollagen-lysine,2-oxoglutarate 5-dioxygenase 3; minus strand). Cytogenetic location: 7q22.1.
Variant type: single nucleotide variant.
Coding change: c.722G>A on transcript NM_001084.5 (MANE Select); coding-DNA position 722, G replaced by A.
Protein change: p.Arg241Gln; replaces arginine 241 with glutamine.
Molecular consequence: missense variant.
Genome position (GRCh38, 1-based): chr7:101,213,162, C>T on the plus strand (G>A on the coding strand, the complement: PLOD3 is on the minus strand). VCF-style: chr7-101213162-C-T. GRCh37 (hg19) VCF-style: chr7-100856443-C-T.
Other names: short protein forms R241Q.
Identifiers: ClinVar variation 2428401 (VCV002428401.3), dbSNP rs141948483, ClinGen allele CA4408050.